The following is an entry in ClinVar:

NM_015338.6(ASXL1):c.3977C>G (p.Pro1326Arg)

Gene: ASXL1 (ASXL transcriptional regulator 1; plus strand). Cytogenetic location: 20q11.21.
Variant type: single nucleotide variant.
Coding change: c.3977C>G on transcript NM_015338.6 (MANE Select); coding-DNA position 3977, C replaced by G.
Protein change: p.Pro1326Arg; replaces proline 1326 with arginine.
Molecular consequence: missense variant.
Genome position (GRCh38, 1-based): chr20:32,436,689, C>G. VCF-style: chr20-32436689-C-G. GRCh37 (hg19) VCF-style: chr20-31024492-C-G.
Other names: c.3794C>G, p.Pro1265Arg (NM_001363734.1); short protein forms P1265R, P1326R.
Identifiers: ClinVar variation 2188044 (VCV002188044.28), dbSNP rs757562094, ClinGen allele CA9808938.

ClinVar aggregate classification (germline): Conflicting classifications of pathogenicity. Review status: criteria provided, conflicting classifications (1 of 4 stars). 2 submissions from 2 submitters: Uncertain significance (1); Likely benign (1). Last evaluated 2023-03-01.

gnomAD v4.1: 5 of 1,614,048 alleles (0.00031%); highest among the groups gnomAD compares: Non-Finnish European, 0.00042%; no homozygotes.

Submissions (2):

CeGaT Center for Human Genetics Tuebingen
Classification: Likely benign. Last evaluated: 2023-03-01. Review status: criteria provided, single submitter. Criteria: CeGaT Center For Human Genetics Tuebingen Variant Classification Criteria Version 2. Collection method: clinical testing. Allele origin: germline. Affected: yes. Observed: 1 variant allele.
Comment: ASXL1: BP4

Labcorp Genetics (formerly Invitae), Labcorp
Classification: Uncertain significance. Last evaluated: 2022-01-25. Review status: criteria provided, single submitter. Criteria: Invitae Variant Classification Sherloc (09022015). Collection method: clinical testing. Allele origin: germline.
Comment: This sequence change replaces proline, which is neutral and non-polar, with arginine, which is basic and polar, at codon 1326 of the ASXL1 protein (p.Pro1326Arg). This variant is present in population databases (rs757562094, gnomAD 0.003%). This variant has not been reported in the literature in individuals affected with ASXL1-related conditions. Algorithms developed to predict the effect of missense changes on protein structure and function are either unavailable or do not agree on the potential impact of this missense change (SIFT: "Tolerated"; PolyPhen-2: "Probably Damaging"; Align-GVGD: "Class C0"). In summary, the available evidence is currently insufficient to determine the role of this variant in disease. Therefore, it has been classified as a Variant of Uncertain Significance.